The following is an entry in ClinVar:

ClinVar aggregate classification (germline): Uncertain significance (1 of 4 stars; one submission).

Conditions:
Cardiomyopathy (CMYO). Also called: Cardiomyopathies. Identifiers: Orphanet 167848, MedGen C0878544, MONDO:0004994, HP:0001638. Inheritance: Various modes of inheritance.

Submission:

Color Diagnostics, LLC DBA Color Health
Classification: Uncertain significance for Cardiomyopathy. Last evaluated: 2024-03-06. Review status: criteria provided, single submitter. Criteria: ACMG Guidelines, 2015. Collection method: clinical testing. Allele origin: germline.
Comment: This missense variant replaces glutamic acid with valine at codon 965 of the MYH7 protein. Computational prediction suggests that this variant may have deleterious impact on protein structure and function (internally defined REVEL score threshold >= 0.7, PMID: 27666373). To our knowledge, functional studies have not been reported for this variant. This variant has not been reported in individuals affected with cardiovascular disorders in the literature. This variant has not been identified in the general population by the Genome Aggregation Database (gnomAD). The available evidence is insufficient to determine the role of this variant in disease conclusively. Therefore, this variant is classified as a Variant of Uncertain Significance.

NM_000257.4(MYH7):c.2894A>T (p.Glu965Val)

Gene: MYH7 (myosin heavy chain 7; minus strand). Cytogenetic location: 14q11.2.
Variant type: single nucleotide variant.
Coding change: c.2894A>T on transcript NM_000257.4 (MANE Select); coding-DNA position 2894, A replaced by T.
Protein change: p.Glu965Val; replaces glutamic acid 965 with valine.
Molecular consequence: missense variant.
Genome position (GRCh38, 1-based): chr14:23,423,935, T>A on the plus strand (A>T on the coding strand, the complement: MYH7 is on the minus strand). VCF-style: chr14-23423935-T-A. GRCh37 (hg19) VCF-style: chr14-23893144-T-A.
Other names: short protein forms E965V.
Identifiers: ClinVar variation 1172022 (VCV001172022.3), dbSNP rs1473734002, ClinGen allele CA389046677.
Genomic context (GRCh38, chr14:23,423,935, plus strand): 5'-CCCGGGCTGGAGCCAAAGGGAGCTGCCCTTACCTTGTTCTCTGTTGCGTGTTTCTCCTTC[T>A]CCACTTTGGCCAGTGTCAGCTCCAGATCATCGATGTCCCTTTTGAGCTCTGAGCACTCAT-3'
Protein context (NP_000248.2, residues 955-975): DDLELTLAKV[Glu965Val]KEKHATENKV